The following is an entry in ClinVar:

NM_000051.4(ATM):c.1813C>G (p.His605Asp)

Gene: ATM (ATM serine/threonine kinase; plus strand). Cytogenetic location: 11q22.3.
Variant type: single nucleotide variant.
Coding change: c.1813C>G on transcript NM_000051.4 (MANE Select); coding-DNA position 1813, C replaced by G.
Protein change: p.His605Asp; replaces histidine 605 with aspartic acid.
Molecular consequence: missense variant.
Genome position (GRCh38, 1-based): chr11:108,252,827, C>G. VCF-style: chr11-108252827-C-G. GRCh37 (hg19) VCF-style: chr11-108123554-C-G.
Other names: c.1813C>G, p.His605Asp (NM_001351834.2); short protein forms H605D.
Identifiers: ClinVar variation 453384 (VCV000453384.11), dbSNP rs786202928, ClinGen allele CA382535722.

ClinVar aggregate classification (germline): Uncertain significance. Review status: criteria provided, multiple submitters, no conflicts (2 of 4 stars). 2 submissions from 2 submitters: Uncertain significance (2). Last evaluated 2024-09-28.

Conditions:
Hereditary cancer-predisposing syndrome. Also called: Tumor predisposition; Hereditary Cancer Syndrome; Neoplastic Syndromes, Hereditary; Hereditary neoplastic syndrome. Identifiers: Orphanet 140162, MedGen C0027672, MeSH D009386, MONDO:0015356.
Ataxia-telangiectasia syndrome (AT). Also called: Cerebello-oculocutaneous telangiectasia; Immunodeficiency with ataxia telangiectasia; Ataxia-telangiectasia, complementation group D; AT, COMPLEMENTATION GROUP C; Ataxia-telangiectasia, complementation group E; LOUIS-BAR SYNDROME. Identifiers: Orphanet 100, MedGen C0004135, MONDO:0008840, OMIM 208900.

Submissions (2):

Labcorp Genetics (formerly Invitae), Labcorp
Classification: Uncertain significance for Ataxia-telangiectasia syndrome. Last evaluated: 2024-09-28. Review status: criteria provided, single submitter. Criteria: Invitae Variant Classification Sherloc (09022015). Collection method: clinical testing. Allele origin: germline.
Comment: This sequence change replaces histidine, which is basic and polar, with aspartic acid, which is acidic and polar, at codon 605 of the ATM protein (p.His605Asp). This variant is not present in population databases (gnomAD no frequency). This variant has not been reported in the literature in individuals affected with ATM-related conditions. ClinVar contains an entry for this variant (Variation ID: 453384). An algorithm developed to predict the effect of missense changes on protein structure and function (PolyPhen-2) suggests that this variant is likely to be tolerated. In summary, the available evidence is currently insufficient to determine the role of this variant in disease. Therefore, it has been classified as a Variant of Uncertain Significance.

Color Diagnostics, LLC DBA Color Health
Classification: Uncertain significance for Hereditary cancer-predisposing syndrome. Last evaluated: 2020-04-13. Review status: criteria provided, single submitter. Criteria: ACMG Guidelines, 2015. Collection method: clinical testing. Allele origin: germline.
Comment: This missense variant replaces histidine with aspartic acid at codon 605 of the ATM protein. Computational prediction suggests that this variant may not impact protein structure and function (internally defined REVEL score threshold <= 0.5, PMID: 27666373). To our knowledge, functional studies have not been reported for this variant. This variant has not been reported in individuals affected with hereditary cancer in the literature. This variant has not been identified in the general population by the Genome Aggregation Database (gnomAD). The available evidence is insufficient to determine the role of this variant in disease conclusively. Therefore, this variant is classified as a Variant of Uncertain Significance.